The following is an entry in ClinVar:

ClinVar aggregate classification (germline): Uncertain significance. Review status: criteria provided, multiple submitters, no conflicts (2 of 4 stars). 2 submissions from 2 submitters: Uncertain significance (2). Last evaluated 2023-01-16.

Allele frequency attached by ClinVar (database versions not stated): gnomAD exomes below 0.00001; gnomAD 0.00001; TOPMed 0.00002.
gnomAD v4.1: 2 of 1,613,494 alleles (0.00012%); highest among the groups gnomAD compares: African/African-American, 0.0013%; no homozygotes.

Submissions (2):

Women's Health and Genetics/Laboratory Corporation of America, LabCorp
Classification: Uncertain significance. Last evaluated: 2023-01-16. Review status: criteria provided, single submitter. Criteria: LabCorp Variant Classification Summary - May 2015. Collection method: clinical testing. Allele origin: germline.
Comment: Variant summary: MED13L c.3155G>A (p.Arg1052Gln) results in a conservative amino acid change in the encoded protein sequence. Three of five in-silico tools predict a benign effect of the variant on protein function. The variant was absent in 250276 control chromosomes. The available data on variant occurrences in the general population are insufficient to allow any conclusion about variant significance. To our knowledge, no occurrence of c.3155G>A in individuals affected with Intellectual Disability And Distinctive Facial Features With Or Without Cardiac Defects and no experimental evidence demonstrating its impact on protein function have been reported. One submitter has provided a clinical-significance assessment for this variant to ClinVar after 2014, and classified the variant as uncertain significance. Based on the evidence outlined above, the variant was classified as uncertain significance.

GeneDx
Classification: Uncertain significance. Last evaluated: 2022-05-17. Review status: criteria provided, single submitter. Criteria: GeneDx Variant Classification Process June 2021. Collection method: clinical testing. Allele origin: germline. Affected: yes.
Comment: Not observed in large population cohorts (gnomAD); In silico analysis supports that this missense variant does not alter protein structure/function; Has not been previously published as pathogenic or benign to our knowledge

NM_015335.5(MED13L):c.3155G>A (p.Arg1052Gln)

Gene: MED13L (mediator complex subunit 13L; minus strand). Cytogenetic location: 12q24.21.
Variant type: single nucleotide variant.
Coding change: c.3155G>A on transcript NM_015335.5 (MANE Select); coding-DNA position 3155, G replaced by A.
Protein change: p.Arg1052Gln; replaces arginine 1052 with glutamine.
Molecular consequence: missense variant.
Genome position (GRCh38, 1-based): chr12:115,991,799, C>T on the plus strand (G>A on the coding strand, the complement: MED13L is on the minus strand). VCF-style: chr12-115991799-C-T. GRCh37 (hg19) VCF-style: chr12-116429604-C-T.
Other names: short protein forms R1052Q.
Identifiers: ClinVar variation 1303331 (VCV001303331.6), dbSNP rs977444793, ClinGen allele CA244150204.